The following is an entry in ClinVar:

NM_145117.5(NAV2):c.155A>G (p.Tyr52Cys)

Genes: LEISA1 (lncRNA enhancing IL-6/STAT3 signaling activation 1; minus strand), NAV2 (neuron navigator 2; plus strand). Cytogenetic location: 11p15.1.
Variant type: single nucleotide variant.
Coding change: c.155A>G on transcript NM_145117.5 (MANE Select); coding-DNA position 155, A replaced by G.
Protein change: p.Tyr52Cys; replaces tyrosine 52 with cysteine.
Molecular consequence: missense variant. On other transcripts: non-coding transcript variant (1), intron variant (1).
Genome position (GRCh38, 1-based): chr11:19,713,850, A>G. VCF-style: chr11-19713850-A-G. GRCh37 (hg19) VCF-style: chr11-19735396-A-G.
Other names: c.155A>G, p.Tyr52Cys (NM_001244963.2, NM_182964.6); c.76-118634A>G (NM_001111018.2); short protein forms Y52C.
Identifiers: ClinVar variation 3042108 (VCV003042108.2), dbSNP rs148165391, ClinGen allele CA5917423.

ClinVar aggregate classification (germline): Likely benign (0 of 4 stars; one submission).

Conditions:
NAV2-related disorder. Also called: NAV2-related condition.

Allele frequency attached by ClinVar (database versions not stated): 1000 Genomes Project 0.00060; 1000 Genomes Project 30x 0.00078; gnomAD 0.00149; ExAC 0.00152; ESP Exome Variant Server 0.00154; TOPMed 0.00170.
gnomAD v4.1: 3,050 of 1,613,580 alleles (0.19%); highest among the groups gnomAD compares: Non-Finnish European, 0.24%; 1 homozygote.

Submission:

PreventionGenetics, part of Exact Sciences
Classification: Likely benign for NAV2-related condition. Last evaluated: 2023-02-20. Review status: no assertion criteria provided. Collection method: clinical testing. Allele origin: germline.
Comment: This variant is classified as likely benign based on ACMG/AMP sequence variant interpretation guidelines (Richards et al. 2015 PMID: 25741868, with internal and published modifications).